The following is an entry in ClinVar:

NM_001365999.1(SZT2):c.6397-1G>A

Gene: SZT2 (SZT2 subunit of KICSTOR complex; plus strand). Cytogenetic location: 1p34.2.
Variant type: single nucleotide variant.
Coding change: c.6397-1G>A on transcript NM_001365999.1 (MANE Select); the canonical splice acceptor site of the intron before coding-DNA position 6397, G replaced by A.
Molecular consequence: splice acceptor variant.
Genome position (GRCh38, 1-based): chr1:43,437,790, G>A. VCF-style: chr1-43437790-G-A. GRCh37 (hg19) VCF-style: chr1-43903461-G-A.
Other names: c.6226-1G>A (NM_015284.4).
Identifiers: ClinVar variation 2003502 (VCV002003502.4), dbSNP rs2545841958, ClinGen allele CA340029485.

ClinVar aggregate classification (germline): Likely pathogenic (1 of 4 stars; one submission).

Submission:

Labcorp Genetics (formerly Invitae), Labcorp
Classification: Likely pathogenic. Last evaluated: 2024-05-15. Review status: criteria provided, single submitter. Criteria: Invitae Variant Classification Sherloc (09022015). Collection method: clinical testing. Allele origin: germline.
Comment: This sequence change affects an acceptor splice site in intron 44 of the SZT2 gene. It is expected to disrupt RNA splicing. Variants that disrupt the donor or acceptor splice site typically lead to a loss of protein function (PMID: 16199547), and loss-of-function variants in SZT2 are known to be pathogenic (PMID: 23932106, 27248490, 28556953). This variant is not present in population databases (gnomAD no frequency). This variant has not been reported in the literature in individuals affected with SZT2-related conditions. ClinVar contains an entry for this variant (Variation ID: 2003502). Algorithms developed to predict the effect of sequence changes on RNA splicing suggest that this variant may disrupt the consensus splice site. In summary, the currently available evidence indicates that the variant is pathogenic, but additional data are needed to prove that conclusively. Therefore, this variant has been classified as Likely Pathogenic.

Literature cited by the submitters: PubMed 16199547; PubMed 23932106; PubMed 27248490; PubMed 28556953.